The following is an entry in ClinVar:

ClinVar aggregate classification (germline): Likely benign. Review status: criteria provided, multiple submitters, no conflicts (2 of 4 stars). 4 submissions from 4 submitters: Likely benign (3). 1 of the submissions does not count toward it. Last evaluated 2025-12-18.

Conditions:
FANCA-related disorder. Also called: FANCA-related condition.
Inborn genetic diseases. Identifiers: MedGen C0950123, MeSH D030342.
Fanconi anemia (FA). Also called: Fanconi's anemia. Identifiers: Orphanet 84, MedGen C0015625, MeSH D005199, MONDO:0019391.

Allele frequency attached by ClinVar (database versions not stated): gnomAD exomes 0.00002 and below 0.00001; ExAC 0.00003; TOPMed 0.00004; gnomAD 0.00006; 1000 Genomes Project 30x 0.00016; 1000 Genomes Project 0.00020.
gnomAD v4.1: 14 of 1,614,114 alleles (0.00087%); highest among the groups gnomAD compares: African/African-American, 0.017%; no homozygotes.

Submissions (4):

Labcorp Genetics (formerly Invitae), Labcorp
Classification: Likely benign for Fanconi anemia. Last evaluated: 2025-12-18. Review status: criteria provided, single submitter. Criteria: Invitae Variant Classification Sherloc (09022015). Collection method: clinical testing. Allele origin: germline.

Ambry Genetics
Classification: Likely benign for Inborn genetic diseases. Last evaluated: 2025-02-15. Review status: criteria provided, single submitter. Criteria: Ambry Variant Classification Scheme 2023. Collection method: clinical testing. Allele origin: germline.

Blueprint Genetics
Classification: Likely benign. Last evaluated: 2024-10-23. Review status: criteria provided, single submitter. Criteria: ACMG Guidelines, 2015. Collection method: clinical testing. Allele origin: germline.

PreventionGenetics, part of Exact Sciences
Classification: Likely benign for FANCA-related condition. Last evaluated: 2019-04-30. Review status: no assertion criteria provided. Collection method: clinical testing. Allele origin: germline. Not counted in ClinVar's aggregate classification.
Comment: This variant is classified as likely benign based on ACMG/AMP sequence variant interpretation guidelines (Richards et al. 2015 PMID: 25741868, with internal and published modifications).

NM_000135.4(FANCA):c.3279C>T (p.Ser1093=)

Gene: FANCA (FA complementation group A; minus strand). Cytogenetic location: 16q24.3.
Variant type: single nucleotide variant.
Coding change: c.3279C>T on transcript NM_000135.4 (MANE Select); coding-DNA position 3279, C replaced by T.
Protein change: p.Ser1093=; no amino-acid change (serine 1093 retained).
Molecular consequence: synonymous variant.
Genome position (GRCh38, 1-based): chr16:89,748,728, G>A on the plus strand (C>T on the coding strand, the complement: FANCA is on the minus strand). VCF-style: chr16-89748728-G-A. GRCh37 (hg19) VCF-style: chr16-89815136-G-A.
Other names: c.3279C>T, p.Ser1093= (NM_001286167.3); c.3279C>T (NM_000135.2).
Identifiers: ClinVar variation 1092331 (VCV001092331.13), dbSNP rs575863400, ClinGen allele CA8251244.